The following is an entry in ClinVar:

ClinVar aggregate classification (germline): Uncertain significance (1 of 4 stars; one submission).

Allele frequency attached by ClinVar (database versions not stated): TOPMed 0.00002; gnomAD 0.00003.
gnomAD v4.1: 36 of 1,613,978 alleles (0.0022%); highest among the groups gnomAD compares: Middle Eastern, 0.016%; no homozygotes.

Submission:

Labcorp Genetics (formerly Invitae), Labcorp
Classification: Uncertain significance. Last evaluated: 2020-03-21. Review status: criteria provided, single submitter. Criteria: Invitae Variant Classification Sherloc (09022015). Collection method: clinical testing. Allele origin: germline.
Comment: In summary, the available evidence is currently insufficient to determine the role of this variant in disease. Therefore, it has been classified as a Variant of Uncertain Significance. Algorithms developed to predict the effect of missense changes on protein structure and function (SIFT, PolyPhen-2, Align-GVGD) all suggest that this variant is likely to be disruptive, but these predictions have not been confirmed by published functional studies and their clinical significance is uncertain. This variant has not been reported in the literature in individuals with GRM6-related conditions. This variant is present in population databases (rs768079071, ExAC 0.003%). This sequence change replaces arginine with cysteine at codon 186 of the GRM6 protein (p.Arg186Cys). The arginine residue is highly conserved and there is a large physicochemical difference between arginine and cysteine.

NM_000843.4(GRM6):c.556C>T (p.Arg186Cys)

Gene: GRM6 (glutamate metabotropic receptor 6; minus strand). Cytogenetic location: 5q35.3.
Variant type: single nucleotide variant.
Coding change: c.556C>T on transcript NM_000843.4 (MANE Select); coding-DNA position 556, C replaced by T.
Protein change: p.Arg186Cys; replaces arginine 186 with cysteine.
Molecular consequence: missense variant.
Genome position (GRCh38, 1-based): chr5:178,992,032, G>A on the plus strand (C>T on the coding strand, the complement: GRM6 is on the minus strand). VCF-style: chr5-178992032-G-A. GRCh37 (hg19) VCF-style: chr5-178419033-G-A.
Other names: short protein forms R186C.
Identifiers: ClinVar variation 1041265 (VCV001041265.6), dbSNP rs768079071, ClinGen allele CA3594494.
Genomic context (GRCh38, chr5:178,992,032, plus strand): 5'-CCACCATGGCCTGCGCCTGGTAGGAGTCGGGTGGCACCACCCGGGAGAAGAAGTCATAGC[G>A]TGTGGAGTCGCTGAGCTCCGGGGCTGTGGAGGCATAGCTGATCTGGGGTATCTGTGGGGC-3'
Protein context (NP_000834.2, residues 176-196): STAPELSDST[Arg186Cys]YDFFSRVVPP